The following is an entry in ClinVar:

NM_024675.4(PALB2):c.2270C>T (p.Thr757Ile)

Gene: PALB2 (partner and localizer of BRCA2; minus strand). Cytogenetic location: 16p12.2.
Variant type: single nucleotide variant.
Coding change: c.2270C>T on transcript NM_024675.4 (MANE Select); coding-DNA position 2270, C replaced by T.
Protein change: p.Thr757Ile; replaces threonine 757 with isoleucine.
Molecular consequence: missense variant.
Genome position (GRCh38, 1-based): chr16:23,629,884, G>A on the plus strand (C>T on the coding strand, the complement: PALB2 is on the minus strand). VCF-style: chr16-23629884-G-A. GRCh37 (hg19) VCF-style: chr16-23641205-G-A.
Other names: short protein forms T757I.
Identifiers: ClinVar variation 1204896 (VCV001204896.9), dbSNP rs1966858072, ClinGen allele CA395125394.

ClinVar aggregate classification (germline): Uncertain significance. Review status: criteria provided, multiple submitters, no conflicts (2 of 4 stars). 4 submissions from 4 submitters: Uncertain significance (4). Last evaluated 2025-12-20.

Conditions:
Hereditary cancer-predisposing syndrome. Also called: Neoplastic Syndromes, Hereditary; Hereditary neoplastic syndrome; Hereditary Cancer Syndrome; Tumor predisposition. Identifiers: Orphanet 140162, MedGen C0027672, MeSH D009386, MONDO:0015356.
Familial cancer of breast. Also called: Hereditary breast cancer; hereditary breast carcinoma; BREAST CANCER, FAMILIAL. Identifiers: Orphanet 227535, MedGen C0346153, MONDO:0016419, OMIM 114480. Disease mechanism: loss of function.

Allele frequency attached by ClinVar (database versions not stated): TOPMed below 0.00001.

Submissions (4):

Labcorp Genetics (formerly Invitae), Labcorp
Classification: Uncertain significance for Familial cancer of breast. Last evaluated: 2025-12-20. Review status: criteria provided, single submitter. Criteria: Invitae Variant Classification Sherloc (09022015). Collection method: clinical testing. Allele origin: germline.
Comment: This sequence change replaces threonine, which is neutral and polar, with isoleucine, which is neutral and non-polar, at codon 757 of the PALB2 protein (p.Thr757Ile). This variant is not present in population databases (gnomAD no frequency). This variant has not been reported in the literature in individuals affected with PALB2-related conditions. ClinVar contains an entry for this variant (Variation ID: 1204896). Invitae Evidence Modeling of protein sequence and biophysical properties (such as structural, functional, and spatial information, amino acid conservation, physicochemical variation, residue mobility, and thermodynamic stability) indicates that this missense variant is not expected to disrupt PALB2 protein function with a negative predictive value of 80%. In summary, the available evidence is currently insufficient to determine the role of this variant in disease. Therefore, it has been classified as a Variant of Uncertain Significance.

Color Diagnostics, LLC DBA Color Health
Classification: Uncertain significance for Hereditary cancer-predisposing syndrome. Last evaluated: 2024-03-06. Review status: criteria provided, single submitter. Criteria: ACMG Guidelines, 2015. Collection method: clinical testing. Allele origin: germline.
Comment: This missense variant replaces threonine with isoleucine at codon 757 of the PALB2 protein. Computational prediction suggests that this variant may not impact protein structure and function (internally defined REVEL score threshold <= 0.5, PMID: 27666373). To our knowledge, functional studies have not been reported for this variant. This variant has not been reported in individuals affected with hereditary cancer in the literature. This variant has not been identified in the general population by the Genome Aggregation Database (gnomAD). The available evidence is insufficient to determine the role of this variant in disease conclusively. Therefore, this variant is classified as a Variant of Uncertain Significance.

GeneDx
Classification: Uncertain significance. Last evaluated: 2024-01-10. Review status: criteria provided, single submitter. Criteria: GeneDx Variant Classification Process June 2021. Collection method: clinical testing. Allele origin: germline. Affected: yes.
Comment: Not observed in large population cohorts (gnomAD); In silico analysis, which includes protein predictors and evolutionary conservation, supports a deleterious effect; Has not been previously published as pathogenic or benign to our knowledge; This variant is associated with the following publications: (PMID: 22941656)

Ambry Genetics
Classification: Uncertain significance for Hereditary cancer-predisposing syndrome. Last evaluated: 2022-10-12. Review status: criteria provided, single submitter. Criteria: Ambry Variant Classification Scheme 2023. Collection method: clinical testing. Allele origin: germline.
Comment: The p.T757I variant (also known as c.2270C>T), located in coding exon 5 of the PALB2 gene, results from a C to T substitution at nucleotide position 2270. The threonine at codon 757 is replaced by isoleucine, an amino acid with similar properties. This amino acid position is conserved. In addition, this alteration is predicted to be tolerated by in silico analysis. Since supporting evidence is limited at this time, the clinical significance of this alteration remains unclear.